The following is an entry in ClinVar:

ClinVar aggregate classification (germline): Pathogenic (1 of 4 stars; one submission).

gnomAD v4.1: 5 of 1,614,014 alleles (0.00031%); highest among the groups gnomAD compares: South Asian, 0.0011%; no homozygotes.

Submission:

CeGaT Center for Human Genetics Tuebingen
Classification: Pathogenic. Last evaluated: 2026-01-01. Review status: criteria provided, single submitter. Criteria: CeGaT Center For Human Genetics Tuebingen Variant Classification Criteria Version 2. Collection method: clinical testing. Allele origin: germline. Affected: yes. Observed: 1 variant allele.
Comment: TET2: PVS1, PM2

NM_001127208.3(TET2):c.2689C>T (p.Gln897Ter)

Genes: TET2 (tet methylcytosine dioxygenase 2; plus strand), TET2-AS1 (TET2 antisense RNA 1; minus strand). Cytogenetic location: 4q24.
Variant type: single nucleotide variant.
Coding change: c.2689C>T on transcript NM_001127208.3 (MANE Select); coding-DNA position 2689, C replaced by T.
Protein change: p.Gln897Ter; replaces glutamine 897 with a stop codon.
Molecular consequence: nonsense.
Genome position (GRCh38, 1-based): chr4:105,236,631, C>T. VCF-style: chr4-105236631-C-T. GRCh37 (hg19) VCF-style: chr4-106157788-C-T.
Other names: c.2689C>T, p.Gln897Ter (NM_017628.4); short protein forms Q897*.
Identifiers: ClinVar variation 4822805 (VCV004822805.4).